The following is an entry in ClinVar:

NM_000059.4(BRCA2):c.8025A>G (p.Ile2675Met)

Gene: BRCA2 (BRCA2 DNA repair associated; plus strand). Cytogenetic location: 13q13.1.
Variant type: single nucleotide variant.
Coding change: c.8025A>G on transcript NM_000059.4 (MANE Select); coding-DNA position 8025, A replaced by G.
Protein change: p.Ile2675Met; replaces isoleucine 2675 with methionine.
Molecular consequence: missense variant.
Genome position (GRCh38, 1-based): chr13:32,363,227, A>G. VCF-style: chr13-32363227-A-G. GRCh37 (hg19) VCF-style: chr13-32937364-A-G.
Other names: short protein forms I2675M.
Identifiers: ClinVar variation 827404 (VCV000827404.20), dbSNP rs1593924875, ClinGen allele CA387748902.

ClinVar aggregate classification (germline): Conflicting classifications of pathogenicity. Review status: criteria provided, conflicting classifications (1 of 4 stars). 4 submissions from 4 submitters: Uncertain significance (3); Likely benign (1). Last evaluated 2025-05-19.

Conditions:
Hereditary breast ovarian cancer syndrome. Also called: Hereditary breast and ovarian cancer syndrome; Hereditary breast and ovarian cancer; Hereditary breast and ovarian cancer syndrome (HBOC); Breast and ovarian cancer; Hereditary breast and/or ovarian cancer syndrome; BRCA1- and BRCA2-Associated Hereditary Breast and Ovarian Cancer. Identifiers: Orphanet 145, MedGen C0677776, MeSH D061325, MONDO:0003582. Disease mechanism: loss of function.
BRCA2-related cancer predisposition. Identifiers: MedGen CN377758, MONDO:0700269.
Hereditary cancer-predisposing syndrome. Also called: Neoplastic Syndromes, Hereditary; Tumor predisposition; Hereditary neoplastic syndrome; Hereditary Cancer Syndrome. Identifiers: Orphanet 140162, MedGen C0027672, MeSH D009386, MONDO:0015356.

Submissions (4):

Ambry Genetics
Classification: Likely benign for Hereditary cancer-predisposing syndrome. Last evaluated: 2025-05-19. Review status: criteria provided, single submitter. Criteria: Ambry Variant Classification Scheme 2023. Collection method: clinical testing. Allele origin: germline.

Department of Pathology and Laboratory Medicine, Sinai Health System
Classification: Uncertain significance for BRCA2-related cancer predisposition. Last evaluated: 2024-10-31. Review status: criteria provided, single submitter. Criteria: ACMG Guidelines, 2015. Collection method: clinical testing. Allele origin: germline.

Quest Diagnostics Nichols Institute San Juan Capistrano
Classification: Uncertain significance. Last evaluated: 2024-09-23. Review status: criteria provided, single submitter. Criteria: Quest Diagnostics criteria. Collection method: clinical testing. Allele origin: unknown.
Comment: The BRCA2 c.8025A>G (p.Ile2675Met) variant has not been reported in individuals with BRCA2-related conditions in the published literature. It also has not been reported in large, multi-ethnic general populations (Genome Aggregation Database). Analysis of this variant using bioinformatics tools for the prediction of the effect of amino acid changes on protein structure and function yielded conflicting predictions that this variant is benign or damaging. Based on the available information, we are unable to determine the clinical significance of this variant.

Labcorp Genetics (formerly Invitae), Labcorp
Classification: Uncertain significance for Hereditary breast ovarian cancer syndrome. Last evaluated: 2022-05-22. Review status: criteria provided, single submitter. Criteria: Invitae Variant Classification Sherloc (09022015). Collection method: clinical testing. Allele origin: germline.
Comment: This variant is not present in population databases (gnomAD no frequency). This sequence change replaces isoleucine, which is neutral and non-polar, with methionine, which is neutral and non-polar, at codon 2675 of the BRCA2 protein (p.Ile2675Met). This variant has not been reported in the literature in individuals affected with BRCA2-related conditions. In summary, the available evidence is currently insufficient to determine the role of this variant in disease. Therefore, it has been classified as a Variant of Uncertain Significance. Algorithms developed to predict the effect of missense changes on protein structure and function are either unavailable or do not agree on the potential impact of this missense change (SIFT: "Deleterious"; PolyPhen-2: "Probably Damaging"; Align-GVGD: "Class C0"). ClinVar contains an entry for this variant (Variation ID: 827404).